The following is an entry in ClinVar:

ClinVar aggregate classification (germline): Uncertain significance (1 of 4 stars; one submission).

Conditions:
Immunodeficiency, common variable, 10. Also called: DEFICIT IN ANTERIOR PITUITARY FUNCTION AND VARIABLE IMMUNODEFICIENCY; IMMUNODEFICIENCY, COMMON VARIABLE, WITH CENTRAL ADRENAL INSUFFICIENCY. Identifiers: MedGen C3809991, MONDO:0014260, OMIM 615577.

Submission:

Labcorp Genetics (formerly Invitae), Labcorp
Classification: Uncertain significance for Immunodeficiency, common variable, 10. Last evaluated: 2024-10-28. Review status: criteria provided, single submitter. Criteria: Invitae Variant Classification Sherloc (09022015). Collection method: clinical testing. Allele origin: germline.
Comment: This sequence change replaces serine, which is neutral and polar, with glycine, which is neutral and non-polar, at codon 866 of the NFKB2 protein (p.Ser866Gly). This variant is not present in population databases (gnomAD no frequency). This missense change has been observed in individual(s) with common variable immunodeficiency (PMID: 32506361). This variant is also known as c.2593A>G (p.S865G). ClinVar contains an entry for this variant (Variation ID: 2098641). An algorithm developed to predict the effect of missense changes on protein structure and function (PolyPhen-2) suggests that this variant is likely to be disruptive. In summary, the available evidence is currently insufficient to determine the role of this variant in disease. Therefore, it has been classified as a Variant of Uncertain Significance.

Literature cited by the submitters: PubMed 32506361.

NM_001322934.2(NFKB2):c.2596A>G (p.Ser866Gly)

Gene: NFKB2 (nuclear factor kappa B subunit 2; plus strand). Cytogenetic location: 10q24.32.
Variant type: single nucleotide variant.
Coding change: c.2596A>G on transcript NM_001322934.2 (MANE Select); coding-DNA position 2596, A replaced by G.
Protein change: p.Ser866Gly; replaces serine 866 with glycine.
Molecular consequence: missense variant.
Genome position (GRCh38, 1-based): chr10:102,402,269, A>G. VCF-style: chr10-102402269-A-G. GRCh37 (hg19) VCF-style: chr10-104162026-A-G.
Other names: c.2593A>G, p.Ser865Gly (NM_001077493.1, NM_001261403.3, NM_001288724.1 and 1 more transcripts); c.2596A>G, p.Ser866Gly (NM_001077494.3); c.2470A>G, p.Ser824Gly (NM_001322935.1); short protein forms S824G, S865G, S866G.
Identifiers: ClinVar variation 2098641 (VCV002098641.4), dbSNP rs2544606913, ClinGen allele CA377906328.